The following is an entry in ClinVar:

ClinVar aggregate classification (germline): Pathogenic (1 of 4 stars; one submission).

Submission:

Institute for Clinical Genetics, University Hospital TU Dresden, University Hospital TU Dresden
Classification: Pathogenic. Last evaluated: 2021-07-19. Review status: criteria provided, single submitter. Criteria: ACMG Guidelines, 2015. Collection method: clinical testing. Allele origin: de novo.
Comment: PVS1, PM2_SUP, PM6_SUP

NM_002074.5(GNB1):c.267+1dup

Gene: GNB1 (G protein subunit beta 1; minus strand). Cytogenetic location: 1p36.33.
Variant type: Duplication.
Coding change: c.267+1dup on transcript NM_002074.5 (MANE Select); the canonical splice donor site of the intron after coding-DNA position 267, one base duplicated (G; older notation c.267+1dupG).
Molecular consequence: splice donor variant.
Genome position (GRCh38, 1-based): chr1:1,806,474, C duplicated on the plus strand (G on the coding strand, the reverse complement: GNB1 is on the minus strand); the first of 2 consecutive C bases (chr1:1,806,474-1,806,475); duplicating either gives the same sequence. VCF-style (leftmost placement, unchanged base first): chr1-1806473-A-AC. GRCh37 (hg19) VCF-style: chr1-1737912-A-AC.
Other names: c.267+1dup (NM_001282539.2); c.-34+1dup (NM_001282538.2).
Identifiers: ClinVar variation 2576056 (VCV002576056.1), dbSNP rs2522817745, ClinGen allele CA2580612910.